The following is an entry in ClinVar:

NM_000163.5(GHR):c.685C>G (p.Arg229Gly)

Gene: GHR (growth hormone receptor; plus strand). Cytogenetic location: 5p12.
Variant type: single nucleotide variant.
Coding change: c.685C>G on transcript NM_000163.5 (MANE Select); coding-DNA position 685, C replaced by G.
Protein change: p.Arg229Gly; replaces arginine 229 with glycine.
Molecular consequence: missense variant.
Genome position (GRCh38, 1-based): chr5:42,711,273, C>G. VCF-style: chr5-42711273-C-G. GRCh37 (hg19) VCF-style: chr5-42711375-C-G.
Other names: c.706C>G, p.Arg236Gly (NM_001242399.2); c.685C>G, p.Arg229Gly (NM_001242400.2, NM_001242401.4, NM_001242402.2 and 5 more transcripts); c.619C>G, p.Arg207Gly (NM_001242460.2); short protein forms R207G, R236G, R229G.
Identifiers: ClinVar variation 2734727 (VCV002734727.3), dbSNP rs777751803, ClinGen allele CA359695926.

ClinVar aggregate classification (germline): Uncertain significance (1 of 4 stars; one submission).

Submission:

Labcorp Genetics (formerly Invitae), Labcorp
Classification: Uncertain significance. Last evaluated: 2024-01-04. Review status: criteria provided, single submitter. Criteria: Invitae Variant Classification Sherloc (09022015). Collection method: clinical testing. Allele origin: germline.
Comment: This sequence change replaces arginine, which is basic and polar, with glycine, which is neutral and non-polar, at codon 229 of the GHR protein (p.Arg229Gly). This variant is not present in population databases (gnomAD no frequency). This missense change has been observed in individual(s) with Laron syndrome (PMID: 8504296). This variant is also known as R211G. Advanced modeling of protein sequence and biophysical properties (such as structural, functional, and spatial information, amino acid conservation, physicochemical variation, residue mobility, and thermodynamic stability) performed at Invitae indicates that this missense variant is expected to disrupt GHR protein function with a positive predictive value of 80%. In summary, the available evidence is currently insufficient to determine the role of this variant in disease. Therefore, it has been classified as a Variant of Uncertain Significance.

Literature cited by the submitters: PubMed 8504296.